The following is an entry in ClinVar:

ClinVar aggregate classification (germline): Likely benign (1 of 4 stars; one submission).

Conditions:
CODAS syndrome. Also called: CEREBRAL, OCULAR, DENTAL, AURICULAR, AND SKELETAL ANOMALIES SYNDROME. Identifiers: Orphanet 1458, MedGen C1838180, MONDO:0010879, OMIM 600373.

Allele frequency attached by ClinVar (database versions not stated): gnomAD 0.00235 and 0.00240; TOPMed 0.00165; 1000 Genomes Project 30x 0.00172; 1000 Genomes Project 0.00080.
gnomAD v4.1: 3,968 of 1,382,870 alleles (0.29%); highest among the groups gnomAD compares: Non-Finnish European, 0.3%; 10 homozygotes.

Submission:

Centre for Mendelian Genomics, University Medical Centre Ljubljana
Classification: Likely benign for CODAS syndrome. Last evaluated: 2019-07-10. Review status: criteria provided, single submitter. Criteria: ACMG Guidelines, 2015. Collection method: clinical testing. Allele origin: unknown. Affected: yes.
Comment: This variant was classified as: Likely benign. The following ACMG criteria were applied in classifying this variant: BS1,BS2.

NM_001276480.1(LONP1):c.-160+1G>A

Gene: LONP1 (lon peptidase 1, mitochondrial; minus strand). Cytogenetic location: 19p13.3.
Variant type: single nucleotide variant.
Coding change: c.-160+1G>A on transcript NM_001276480.1; the canonical splice donor site of the intron after 160 bases upstream of the start codon, G replaced by A.
Molecular consequence: splice donor variant.
Genome position (GRCh38, 1-based): chr19:5,720,218, C>T on the plus strand (G>A on the coding strand, the complement: LONP1 is on the minus strand). VCF-style: chr19-5720218-C-T. GRCh37 (hg19) VCF-style: chr19-5720229-C-T.
Identifiers: ClinVar variation 930532 (VCV000930532.5), dbSNP rs112324623, ClinGen allele CA304646048.